The following is an entry in ClinVar:

ClinVar aggregate classification (germline): Uncertain significance (1 of 4 stars; one submission).

Conditions:
Short-rib thoracic dysplasia 8 with or without polydactyly (SRTD8). Also called: SHORT-RIB THORACIC DYSPLASIA 8 WITH POLYDACTYLY. Identifiers: Orphanet 93271, MedGen C3809691, MONDO:0014214, OMIM 615503.

Allele frequency attached by ClinVar (database versions not stated): TOPMed below 0.00001.

Submission:

Labcorp Genetics (formerly Invitae), Labcorp
Classification: Uncertain significance for Short-rib thoracic dysplasia 8 with or without polydactyly. Last evaluated: 2021-05-20. Review status: criteria provided, single submitter. Criteria: Invitae Variant Classification Sherloc (09022015). Collection method: clinical testing. Allele origin: germline.
Comment: Algorithms developed to predict the effect of missense changes on protein structure and function are either unavailable or do not agree on the potential impact of this missense change (SIFT: "Deleterious"; PolyPhen-2: "Possibly Damaging"; Align-GVGD: "Class C0"). In summary, the available evidence is currently insufficient to determine the role of this variant in disease. Therefore, it has been classified as a Variant of Uncertain Significance. This variant has not been reported in the literature in individuals with WDR60-related conditions. This sequence change replaces threonine with alanine at codon 880 of the WDR60 protein (p.Thr880Ala). The threonine residue is highly conserved and there is a small physicochemical difference between threonine and alanine. This variant is not present in population databases (ExAC no frequency).

NM_018051.5(DYNC2I1):c.2638A>G (p.Thr880Ala)

Gene: DYNC2I1 (dynein 2 intermediate chain 1; plus strand). Cytogenetic location: 7q36.3.
Variant type: single nucleotide variant.
Coding change: c.2638A>G on transcript NM_018051.5 (MANE Select); coding-DNA position 2638, A replaced by G.
Protein change: p.Thr880Ala; replaces threonine 880 with alanine.
Molecular consequence: missense variant.
Genome position (GRCh38, 1-based): chr7:158,934,220, A>G. VCF-style: chr7-158934220-A-G. GRCh37 (hg19) VCF-style: chr7-158726911-A-G.
Other names: c.2500A>G, p.Thr834Ala (NM_001350914.2); c.2065A>G, p.Thr689Ala (NM_001350915.2); c.1177A>G, p.Thr393Ala (NM_001350916.2); c.1390A>G, p.Thr464Ala (NM_001350917.2, NM_001350918.2); short protein forms T393A, T464A, T689A, T834A, T880A.
Identifiers: ClinVar variation 1680718 (VCV001680718.8), dbSNP rs1850519978, ClinGen allele CA370186120.